The following is an entry in ClinVar:

ClinVar aggregate classification (germline): Conflicting classifications of pathogenicity. Review status: criteria provided, conflicting classifications (1 of 4 stars). 4 submissions from 4 submitters: Uncertain significance (2); Benign (1); Likely benign (1). Last evaluated 2025-07-31.

Conditions:
Inborn genetic diseases. Identifiers: MedGen C0950123, MeSH D030342.
Coffin-Siris syndrome 1 (CSS1). Also called: Mental retardation, autosomal dominant 12; ARID1B-Related Coffin-Siris Syndrome. Identifiers: Orphanet 1465, MedGen C3281201, MONDO:0007617, OMIM 135900. Disease mechanism: gain of function.

Allele frequency attached by ClinVar (database versions not stated): TOPMed below 0.00001; gnomAD 0.00001; ExAC 0.00002; gnomAD exomes 0.00002.
gnomAD v4.1: 37 of 1,613,956 alleles (0.0023%); highest among the groups gnomAD compares: Non-Finnish European, 0.0027%; no homozygotes.

Submissions (4):

Labcorp Genetics (formerly Invitae), Labcorp
Classification: Benign. Last evaluated: 2025-07-31. Review status: criteria provided, single submitter. Criteria: Invitae Variant Classification Sherloc (09022015). Collection method: clinical testing. Allele origin: germline.

Genome-Nilou Lab
Classification: Uncertain significance for Coffin-Siris syndrome 1. Last evaluated: 2021-07-15. Review status: criteria provided, single submitter. Criteria: ACMG Guidelines, 2015. Collection method: clinical testing. Allele origin: germline. Affected: no.

Ambry Genetics
Classification: Uncertain significance for Inborn genetic diseases. Last evaluated: 2017-04-07. Review status: criteria provided, single submitter. Criteria: Ambry Variant Classification Scheme 2023. Collection method: clinical testing. Allele origin: germline.
Comment: The p.A1553V variant (also known as c.4658C>T), located in coding exon 18 of the ARID1B gene, results from a C to T substitution at nucleotide position 4658. The alanine at codon 1553 is replaced by valine, an amino acid with similar properties. This amino acid position is not well conserved in available vertebrate species. In addition, this alteration is predicted to be tolerated by in silico analysis. Since supporting evidence is limited at this time, the clinical significance of this alteration remains unclear.

Genetic Services Laboratory, University of Chicago
Classification: Likely benign. Last evaluated: 2014-11-19. Review status: criteria provided, single submitter. Criteria: ACMG Guidelines, 2015. Collection method: clinical testing. Allele origin: germline.

NM_001374828.1(ARID1B):c.5027C>T (p.Ala1676Val)

Gene: ARID1B (AT-rich interaction domain 1B; plus strand). Cytogenetic location: 6q25.3.
Variant type: single nucleotide variant.
Coding change: c.5027C>T on transcript NM_001374828.1 (MANE Select); coding-DNA position 5027, C replaced by T.
Protein change: p.Ala1676Val; replaces alanine 1676 with valine.
Molecular consequence: missense variant.
Genome position (GRCh38, 1-based): chr6:157,201,252, C>T. VCF-style: chr6-157201252-C-T. GRCh37 (hg19) VCF-style: chr6-157522386-C-T.
Other names: c.4658C>T, p.Ala1553Val (NM_020732.3); c.2528C>T, p.Ala843Val (NM_001363725.2); c.4907C>T, p.Ala1636Val (NM_001371656.1, NM_001374820.1); c.4868C>T, p.Ala1623Val (NM_017519.3); short protein forms A1553V, A843V, A1623V, A1636V, A1676V.
Identifiers: ClinVar variation 210294 (VCV000210294.14), dbSNP rs762698567, ClinGen allele CA207943.